The following is an entry in ClinVar:

ClinVar aggregate classification (germline): Uncertain significance. Review status: criteria provided, multiple submitters, no conflicts (2 of 4 stars). 3 submissions from 3 submitters: Uncertain significance (3). Last evaluated 2026-04-27.

Conditions:
FG syndrome (FGS). Identifiers: MedGen C0220769, MONDO:0002010.
Familial thoracic aortic aneurysm and aortic dissection (TAAD). Also called: Thoracic aortic aneurysms and dissections. Identifiers: Orphanet 91387, MedGen C4707243, MONDO:0019625.

Submissions (3):

Ambry Genetics
Classification: Uncertain significance for Familial thoracic aortic aneurysm and aortic dissection. Last evaluated: 2026-04-27. Review status: criteria provided, single submitter. Criteria: Ambry Variant Classification Scheme 2023. Collection method: clinical testing. Allele origin: germline.
Comment: The p.R1319C variant (also known as c.3955C>T), located in coding exon 28 of the MED12 gene, results from a C to T substitution at nucleotide position 3955. The arginine at codon 1319 is replaced by cysteine, an amino acid with highly dissimilar properties. This amino acid position is conserved. In addition, this alteration is predicted to be deleterious by in silico analysis. Based on the available evidence, the clinical significance of this variant remains unclear.

Labcorp Genetics (formerly Invitae), Labcorp
Classification: Uncertain significance for FG syndrome. Last evaluated: 2023-08-04. Review status: criteria provided, single submitter. Criteria: Invitae Variant Classification Sherloc (09022015). Collection method: clinical testing. Allele origin: germline.
Comment: This sequence change replaces arginine, which is basic and polar, with cysteine, which is neutral and slightly polar, at codon 1319 of the MED12 protein (p.Arg1319Cys). This variant is not present in population databases (gnomAD no frequency). This variant has not been reported in the literature in individuals affected with MED12-related conditions. ClinVar contains an entry for this variant (Variation ID: 956505). Advanced modeling of protein sequence and biophysical properties (such as structural, functional, and spatial information, amino acid conservation, physicochemical variation, residue mobility, and thermodynamic stability) performed at Invitae indicates that this missense variant is expected to disrupt MED12 protein function. In summary, the available evidence is currently insufficient to determine the role of this variant in disease. Therefore, it has been classified as a Variant of Uncertain Significance.

GeneDx
Classification: Uncertain significance. Last evaluated: 2020-05-01. Review status: criteria provided, single submitter. Criteria: GeneDx Variant Classification Process June 2021. Collection method: clinical testing. Allele origin: germline. Affected: yes.
Comment: Not observed in large population cohorts (Lek et al., 2016); In silico analysis supports that this missense variant has a deleterious effect on protein structure/function; Has not been previously published as pathogenic or benign to our knowledge

NM_005120.3(MED12):c.3955C>T (p.Arg1319Cys)

Gene: MED12 (mediator complex subunit 12; plus strand). Cytogenetic location: Xq13.1.
Variant type: single nucleotide variant.
Coding change: c.3955C>T on transcript NM_005120.3 (MANE Select); coding-DNA position 3955, C replaced by T.
Protein change: p.Arg1319Cys; replaces arginine 1319 with cysteine.
Molecular consequence: missense variant.
Genome position (GRCh38, 1-based): chrX:71,130,122, C>T. VCF-style: chrX-71130122-C-T. GRCh37 (hg19) VCF-style: chrX-70349972-C-T.
Other names: short protein forms R1319C.
Identifiers: ClinVar variation 956505 (VCV000956505.14), dbSNP rs901783069, ClinGen allele CA330980789.